The following is an entry in ClinVar:

NM_000093.5(COL5A1):c.960G>A (p.Met320Ile)

Gene: COL5A1 (collagen type V alpha 1 chain; plus strand). Cytogenetic location: 9q34.3.
Variant type: single nucleotide variant.
Coding change: c.960G>A on transcript NM_000093.5 (MANE Select); coding-DNA position 960, G replaced by A.
Protein change: p.Met320Ile; replaces methionine 320 with isoleucine.
Molecular consequence: missense variant.
Genome position (GRCh38, 1-based): chr9:134,730,271, G>A. VCF-style: chr9-134730271-G-A. GRCh37 (hg19) VCF-style: chr9-137622117-G-A.
Other names: c.960G>A (NM_000093.3); c.960G>A, p.Met320Ile (NM_001278074.1); short protein forms M320I.
Identifiers: ClinVar variation 2742402 (VCV002742402.5), dbSNP rs1834829650, ClinGen allele CA375449154.
Genomic context (GRCh38, chr9:134,730,271, plus strand): 5'-AGCTGTCTCTGTCCTTGGCTCCCAGGAGCTGACCCCGACCCCCACGGAAGCTGCTCCCAT[G>A]CCTGAAACCAGTGAAGGGGCTGGGAAGGAAGAGGACGTCGGCATCGGGGACTATGACTAC-3'
Protein context (NP_000084.3, residues 310-330): LTPTPTEAAP[Met320Ile]PETSEGAGKE

ClinVar aggregate classification (germline): Uncertain significance. Review status: criteria provided, multiple submitters, no conflicts (2 of 4 stars). 3 submissions from 3 submitters: Uncertain significance (3). Last evaluated 2026-09-04.

Conditions:
COL5A1-related disorder. Also called: COL5A1-related condition.
Ehlers-Danlos syndrome, classic type, 1 (EDSCL1). Also called: EHLERS-DANLOS SYNDROME, GRAVIS TYPE; EHLERS-DANLOS SYNDROME, SEVERE CLASSIC TYPE; EDS I; Ehlers-Danlos syndrome, type 1; Ehlers-Danlos Syndrome, Classic Type, COL5A1-Related. Identifiers: MedGen C0268335, MONDO:0019567, OMIM 130000.
Familial thoracic aortic aneurysm and aortic dissection (TAAD). Also called: Thoracic aortic aneurysms and dissections. Identifiers: Orphanet 91387, MedGen C4707243, MONDO:0019625.

Allele frequency attached by ClinVar (database versions not stated): gnomAD exomes below 0.00001.
gnomAD v4.1: 3 of 1,614,156 alleles (0.00019%); highest among the groups gnomAD compares: East Asian, 0.0045%; no homozygotes.

Submissions (3):

PreventionGenetics, part of Exact Sciences
Classification: Uncertain significance for COL5A1-related condition. Last evaluated: 2026-09-04. Review status: criteria provided, single submitter. Criteria: ACMG Guidelines, 2015. Collection method: clinical testing. Allele origin: germline.
Comment: The COL5A1 c.960G>A variant is predicted to result in the amino acid substitution p.Met320Ile. To our knowledge, this variant has not been reported in the literature or in a large population database (gnomAD), indicating this variant is rare. At this time, the clinical significance of this variant is uncertain due to the absence of conclusive functional and genetic evidence.

Ambry Genetics
Classification: Uncertain significance for Familial thoracic aortic aneurysm and aortic dissection. Last evaluated: 2026-02-19. Review status: criteria provided, single submitter. Criteria: Ambry Variant Classification Scheme 2023. Collection method: clinical testing. Allele origin: germline.
Comment: The p.M320I variant (also known as c.960G>A), located in coding exon 7 of the COL5A1 gene, results from a G to A substitution at nucleotide position 960. The methionine at codon 320 is replaced by isoleucine, an amino acid with highly similar properties. This amino acid position is conserved. In addition, this alteration is predicted to be tolerated by in silico analysis. Based on the available evidence, the clinical significance of this variant remains unclear.

Labcorp Genetics (formerly Invitae), Labcorp
Classification: Uncertain significance for Ehlers-Danlos syndrome, classic type, 1. Last evaluated: 2023-03-13. Review status: criteria provided, single submitter. Criteria: Invitae Variant Classification Sherloc (09022015). Collection method: clinical testing. Allele origin: germline.
Comment: In summary, the available evidence is currently insufficient to determine the role of this variant in disease. Therefore, it has been classified as a Variant of Uncertain Significance. Advanced modeling of protein sequence and biophysical properties (such as structural, functional, and spatial information, amino acid conservation, physicochemical variation, residue mobility, and thermodynamic stability) performed at Invitae indicates that this missense variant is not expected to disrupt COL5A1 protein function. This variant has not been reported in the literature in individuals affected with COL5A1-related conditions. This variant is not present in population databases (gnomAD no frequency). This sequence change replaces methionine, which is neutral and non-polar, with isoleucine, which is neutral and non-polar, at codon 320 of the COL5A1 protein (p.Met320Ile).